The following is an entry in ClinVar:

NM_000465.4(BARD1):c.1747A>C (p.Lys583Gln)

Gene: BARD1 (BRCA1 associated RING domain 1; minus strand). Cytogenetic location: 2q35.
Variant type: single nucleotide variant.
Coding change: c.1747A>C on transcript NM_000465.4 (MANE Select); coding-DNA position 1747, A replaced by C.
Protein change: p.Lys583Gln; replaces lysine 583 with glutamine.
Molecular consequence: missense variant. On other transcripts: non-coding transcript variant (3), intron variant (1).
Genome position (GRCh38, 1-based): chr2:214,745,785, T>G on the plus strand (A>C on the coding strand, the complement: BARD1 is on the minus strand). VCF-style: chr2-214745785-T-G. GRCh37 (hg19) VCF-style: chr2-215610509-T-G.
Other names: c.1690A>C, p.Lys564Gln (NM_001282543.2); c.394A>C, p.Lys132Gln (NM_001282545.2); c.337A>C, p.Lys113Gln (NM_001282548.2); c.365-15277A>C (NM_001282549.2); short protein forms K113Q, K564Q, K132Q, K583Q.
Identifiers: ClinVar variation 2003726 (VCV002003726.4), dbSNP rs2469342773, ClinGen allele CA350452980.

ClinVar aggregate classification (germline): Uncertain significance (1 of 4 stars; one submission).

Conditions:
Familial cancer of breast. Also called: hereditary breast carcinoma; Hereditary breast cancer; BREAST CANCER, FAMILIAL. Identifiers: Orphanet 227535, MedGen C0346153, MONDO:0016419, OMIM 114480. Disease mechanism: loss of function.

Submission:

Labcorp Genetics (formerly Invitae), Labcorp
Classification: Uncertain significance for Familial cancer of breast. Last evaluated: 2022-06-09. Review status: criteria provided, single submitter. Criteria: Invitae Variant Classification Sherloc (09022015). Collection method: clinical testing. Allele origin: germline.
Comment: In summary, the available evidence is currently insufficient to determine the role of this variant in disease. Therefore, it has been classified as a Variant of Uncertain Significance. Algorithms developed to predict the effect of missense changes on protein structure and function output the following: SIFT: "Tolerated"; PolyPhen-2: "Benign"; Align-GVGD: "Class C0". The glutamine amino acid residue is found in multiple mammalian species, which suggests that this missense change does not adversely affect protein function. This variant has not been reported in the literature in individuals affected with BARD1-related conditions. This variant is not present in population databases (gnomAD no frequency). This sequence change replaces lysine, which is basic and polar, with glutamine, which is neutral and polar, at codon 583 of the BARD1 protein (p.Lys583Gln).